The following is an entry in ClinVar:

NM_001278064.2(GRM1):c.1666G>A (p.Val556Met)

Gene: GRM1 (glutamate metabotropic receptor 1; plus strand). Cytogenetic location: 6q24.3.
Variant type: single nucleotide variant.
Coding change: c.1666G>A on transcript NM_001278064.2 (MANE Select); coding-DNA position 1666, G replaced by A.
Protein change: p.Val556Met; replaces valine 556 with methionine.
Molecular consequence: missense variant.
Genome position (GRCh38, 1-based): chr6:146,386,953, G>A. VCF-style: chr6-146386953-G-A. GRCh37 (hg19) VCF-style: chr6-146708089-G-A.
Other names: c.1666G>A, p.Val556Met (NM_001278065.2, NM_001278066.1, NM_001278067.1); short protein forms V556M.
Identifiers: ClinVar variation 2446274 (VCV002446274.1), dbSNP rs761933016, ClinGen allele CA4037340.
Genomic context (GRCh38, chr6:146,386,953, plus strand): 5'-ATACGGAAAGGAGAAGTGAGCTGCTGCTGGATTTGCACGGCCTGCAAAGAGAATGAATAT[G>A]TGCAAGATGAGTTCACCTGCAAAGCTTGTGACTTGGGATGGTGGCCCAATGCAGATCTAA-3'
Protein context (NP_001264993.1, residues 546-566): ICTACKENEY[Val556Met]QDEFTCKACD

ClinVar aggregate classification (germline): Uncertain significance (1 of 4 stars; one submission).

Allele frequency attached by ClinVar (database versions not stated): gnomAD exomes below 0.00001; ExAC 0.00001; gnomAD 0.00003; TOPMed 0.00006.
gnomAD v4.1: 7 of 1,612,512 alleles (0.00043%); highest among the groups gnomAD compares: Admixed American, 0.0083%; no homozygotes.

Submission:

GeneDx
Classification: Uncertain significance. Last evaluated: 2022-09-22. Review status: criteria provided, single submitter. Criteria: GeneDx Variant Classification Process June 2021. Collection method: clinical testing. Allele origin: germline. Affected: yes.
Comment: Not observed at significant frequency in large population cohorts (gnomAD); In silico analysis supports that this missense variant does not alter protein structure/function; Has not been previously published as pathogenic or benign to our knowledge